The following is an entry in ClinVar:

GRCh38/hg38 Xp22.31(chrX:6657883-7889387)x1

Genes: MIR4767 (microRNA 4767; plus strand), PUDP (pseudouridine 5'-phosphatase; minus strand), STS (steroid sulfatase; plus strand), VCX (variable charge X-linked; plus strand), LOC113875037 (Sharpr-MPRA regulatory region 5189; plus strand) and 12 more. Cytogenetic location: Xp22.31.
Variant type: copy number loss.
Change: copy number 1 of chrX:6,657,883-7,889,387 (1.23 Mb, GRCh38 coordinates, 1-based), cytogenetic band Xp22.31.
Identifiers: ClinVar variation 4890948 (VCV004890948.1).

ClinVar aggregate classification (germline): Pathogenic (1 of 4 stars; one submission).

Submission:

Clinical Genomics Laboratory, Laboratory for Precision Diagnostics, University of Washington
Classification: Pathogenic. Last evaluated: 2023-09-20. Review status: criteria provided, single submitter. Criteria: ACMG/ClinGen CNV Guidelines, 2019. Collection method: clinical testing. Allele origin: unknown. Affected: yes. Observed: 1 variant allele.
Comment: This is a recurrent microdeletion and is associated with X-linked ichthyosis (XLI) due to steroid sulfatase deficiency.

Literature cited by the submitters: PubMed 30768640; PubMed 25659225; PubMed 36479267; PubMed 36118896.